The following is an entry in ClinVar:

ClinVar aggregate classification (germline): Uncertain significance. Review status: criteria provided, multiple submitters, no conflicts (2 of 4 stars). 2 submissions from 2 submitters: Uncertain significance (2). Last evaluated 2025-11-03.

Conditions:
Zellweger spectrum disorders (ZS). Also called: Zellweger syndrome; Zellweger Spectrum Disorder (ZSD); Zellweger Spectrum Disorder; Zellweger Spectrum. Identifiers: Orphanet 912, MedGen C0043459, MONDO:0019609.
Inborn genetic diseases. Identifiers: MedGen C0950123, MeSH D030342.

Allele frequency attached by ClinVar (database versions not stated): ExAC 0.00001; gnomAD 0.00001; gnomAD exomes 0.00001 and 0.00002; TOPMed 0.00001.
gnomAD v4.1: 7 of 1,542,214 alleles (0.00045%); highest among the groups gnomAD compares: Admixed American, 0.013%; no homozygotes.

Submissions (2):

Ambry Genetics
Classification: Uncertain significance for Inborn genetic diseases. Last evaluated: 2025-11-03. Review status: criteria provided, single submitter. Criteria: Ambry Variant Classification Scheme 2023. Collection method: clinical testing. Allele origin: germline.

Labcorp Genetics (formerly Invitae), Labcorp
Classification: Uncertain significance for Zellweger spectrum disorders. Last evaluated: 2024-10-29. Review status: criteria provided, single submitter. Criteria: Invitae Variant Classification Sherloc (09022015). Collection method: clinical testing. Allele origin: germline.
Comment: This sequence change replaces serine, which is neutral and polar, with leucine, which is neutral and non-polar, at codon 220 of the PEX1 protein (p.Ser220Leu). This variant is present in population databases (rs759048090, gnomAD 0.01%). This variant has not been reported in the literature in individuals affected with PEX1-related conditions. ClinVar contains an entry for this variant (Variation ID: 1418679). Invitae Evidence Modeling of protein sequence and biophysical properties (such as structural, functional, and spatial information, amino acid conservation, physicochemical variation, residue mobility, and thermodynamic stability) indicates that this missense variant is not expected to disrupt PEX1 protein function with a negative predictive value of 95%. In summary, the available evidence is currently insufficient to determine the role of this variant in disease. Therefore, it has been classified as a Variant of Uncertain Significance.

NM_000466.3(PEX1):c.659C>T (p.Ser220Leu)

Gene: PEX1 (peroxisomal biogenesis factor 1; minus strand). Cytogenetic location: 7q21.2.
Variant type: single nucleotide variant.
Coding change: c.659C>T on transcript NM_000466.3 (MANE Select); coding-DNA position 659, C replaced by T.
Protein change: p.Ser220Leu; replaces serine 220 with leucine.
Molecular consequence: missense variant.
Genome position (GRCh38, 1-based): chr7:92,517,856, G>A on the plus strand (C>T on the coding strand, the complement: PEX1 is on the minus strand). VCF-style: chr7-92517856-G-A. GRCh37 (hg19) VCF-style: chr7-92147170-G-A.
Other names: c.659C>T (NM_000466.2); c.659C>T, p.Ser220Leu (NM_001282677.2); c.35C>T, p.Ser12Leu (NM_001282678.2); short protein forms S12L, S220L.
Identifiers: ClinVar variation 1418679 (VCV001418679.6), dbSNP rs759048090, ClinGen allele CA4341562.